The following is an entry in ClinVar:

NM_000083.3(CLCN1):c.1868G>C (p.Gly623Ala)

Gene: CLCN1 (chloride voltage-gated channel 1; plus strand). Cytogenetic location: 7q34.
Variant type: single nucleotide variant.
Coding change: c.1868G>C on transcript NM_000083.3 (MANE Select); coding-DNA position 1868, G replaced by C.
Protein change: p.Gly623Ala; replaces glycine 623 with alanine.
Molecular consequence: missense variant. On other transcripts: non-coding transcript variant (1).
Genome position (GRCh38, 1-based): chr7:143,342,443, G>C. VCF-style: chr7-143342443-G-C. GRCh37 (hg19) VCF-style: chr7-143039536-G-C.
Other names: short protein forms G623A.
Identifiers: ClinVar variation 1930957 (VCV001930957.5), dbSNP rs1484994164, ClinGen allele CA369647820.

ClinVar aggregate classification (germline): Uncertain significance (1 of 4 stars; one submission).

Conditions:
Congenital myotonia, autosomal recessive form. Also called: BECKER DISEASE; Becker Generalized Myotonia; myotonia congenita, autosomal recessive. Identifiers: Orphanet 614, MedGen C0751360, MONDO:0009715, OMIM 255700.
Congenital myotonia, autosomal dominant form (THD). Also called: THOMSEN DISEASE; Myotonia congenita autosomal dominant. Identifiers: Orphanet 614, MedGen C2936781, MONDO:0008055, OMIM 160800.

Allele frequency attached by ClinVar (database versions not stated): gnomAD exomes below 0.00001.
gnomAD v4.1: 3 of 1,614,024 alleles (0.00019%); highest among the groups gnomAD compares: Admixed American, 0.0017%; no homozygotes.

Submission:

Labcorp Genetics (formerly Invitae), Labcorp
Classification: Uncertain significance for Congenital myotonia, autosomal recessive form; Congenital myotonia, autosomal dominant form. Last evaluated: 2022-05-11. Review status: criteria provided, single submitter. Criteria: Invitae Variant Classification Sherloc (09022015). Collection method: clinical testing. Allele origin: germline.
Comment: This variant is present in population databases (no rsID available, gnomAD 0.003%). This variant has not been reported in the literature in individuals affected with CLCN1-related conditions. Advanced modeling of protein sequence and biophysical properties (such as structural, functional, and spatial information, amino acid conservation, physicochemical variation, residue mobility, and thermodynamic stability) performed at Invitae indicates that this missense variant is not expected to disrupt CLCN1 protein function. In summary, the available evidence is currently insufficient to determine the role of this variant in disease. Therefore, it has been classified as a Variant of Uncertain Significance. This sequence change replaces glycine, which is neutral and non-polar, with alanine, which is neutral and non-polar, at codon 623 of the CLCN1 protein (p.Gly623Ala).